The following is an entry in ClinVar:

ClinVar aggregate classification (germline): Uncertain significance (1 of 4 stars; one submission).

gnomAD v4.1: 2 of 1,612,348 alleles (0.00012%); highest among the groups gnomAD compares: Admixed American, 0.0033%; no homozygotes.

Submission:

Labcorp Genetics (formerly Invitae), Labcorp
Classification: Uncertain significance. Last evaluated: 2025-12-15. Review status: criteria provided, single submitter. Criteria: Invitae Variant Classification Sherloc (09022015). Collection method: clinical testing. Allele origin: germline.
Comment: This sequence change replaces serine, which is neutral and polar, with asparagine, which is neutral and polar, at codon 35 of the MICAL1 protein (p.Ser35Asn). This variant is present in population databases (no rsID available, gnomAD 0.006%). This variant has not been reported in the literature in individuals affected with MICAL1-related conditions. An algorithm developed to predict the effect of missense changes on protein structure and function outputs the following: PolyPhen-2: "Benign". The asparagine amino acid residue is found in multiple mammalian species, which suggests that this missense change does not adversely affect protein function. In summary, the available evidence is currently insufficient to determine the role of this variant in disease. Therefore, it has been classified as a Variant of Uncertain Significance.

NM_022765.4(MICAL1):c.47G>A (p.Ser16Asn)

Gene: MICAL1 (microtubule associated monooxygenase, calponin and LIM domain containing 1; minus strand). Cytogenetic location: 6q21.
Variant type: single nucleotide variant.
Coding change: c.47G>A on transcript NM_022765.4 (MANE Select); coding-DNA position 47, G replaced by A.
Protein change: p.Ser16Asn; replaces serine 16 with asparagine.
Molecular consequence: missense variant.
Genome position (GRCh38, 1-based): chr6:109,454,150, C>T on the plus strand (G>A on the coding strand, the complement: MICAL1 is on the minus strand). VCF-style: chr6-109454150-C-T. GRCh37 (hg19) VCF-style: chr6-109775353-C-T.
Other names: c.47G>A, p.Ser16Asn (NM_001159291.2); c.104G>A, p.Ser35Asn (NM_001286613.2); short protein forms S35N, S16N.
Identifiers: ClinVar variation 4777533 (VCV004777533.1).
Genomic context (GRCh38, chr6:109,454,150, plus strand): 5'-GCCCCACACAGCTCCTGGAAGCTGCTCAGCACGTCCTGGCACAGCTGGGCCTGCAGGAAG[C>T]TCTCAAAGTGGGCATGCGCTGGGTTGGTGGAGGTAGGTGAAGCCATGGAGGCCTCCTGGG-3'
Protein context (NP_073602.3, residues 6-26): STNPAHAHFE[Ser16Asn]FLQAQLCQDV